The following is an entry in ClinVar:

NM_004715.5(CTDP1):c.2412C>T (p.Ser804=)

Gene: CTDP1 (CTD phosphatase subunit 1; plus strand). Cytogenetic location: 18q23.
Variant type: single nucleotide variant.
Coding change: c.2412C>T on transcript NM_004715.5 (MANE Select); coding-DNA position 2412, C replaced by T.
Protein change: p.Ser804=; no amino-acid change (serine 804 retained).
Molecular consequence: synonymous variant.
Genome position (GRCh38, 1-based): chr18:79,718,011, C>T. VCF-style: chr18-79718011-C-T. GRCh37 (hg19) VCF-style: chr18-77478011-C-T.
Other names: p.Ser804=; c.2055C>T, p.Ser685= (NM_001202504.1); c.2412C>T, p.Ser804= (NM_001318511.2, NM_048368.4).
Identifiers: ClinVar variation 681324 (VCV000681324.11), dbSNP rs35456241, ClinGen allele CA9010580.

ClinVar aggregate classification (germline): Benign. Review status: criteria provided, multiple submitters, no conflicts (2 of 4 stars). 4 submissions from 4 submitters: Benign (4). Last evaluated 2026-02-03.

Allele frequency attached by ClinVar (database versions not stated): gnomAD 0.03715 and 0.04129; ESP Exome Variant Server 0.04053; gnomAD exomes 0.05058 and 0.05277; 1000 Genomes Project 30x 0.05668; TOPMed 0.03774; ExAC 0.05698; 1000 Genomes Project 0.05851.
gnomAD v4.1: 80,114 of 1,613,164 alleles (5%); highest among the groups gnomAD compares: South Asian, 15%; 2,667 homozygotes.

Submissions (4):

Labcorp Genetics (formerly Invitae), Labcorp
Classification: Benign. Last evaluated: 2026-02-03. Review status: criteria provided, single submitter. Criteria: Invitae Variant Classification Sherloc (09022015). Collection method: clinical testing. Allele origin: germline.

GeneDx
Classification: Benign. Last evaluated: 2018-04-12. Review status: criteria provided, single submitter. Criteria: GeneDx Variant Classification (06012015). Collection method: clinical testing. Allele origin: germline. Affected: yes.
Comment: This variant is considered likely benign or benign based on one or more of the following criteria: it is a conservative change, it occurs at a poorly conserved position in the protein, it is predicted to be benign by multiple in silico algorithms, and/or has population frequency not consistent with disease.

Mayo Clinic Laboratories, Mayo Clinic
Classification: Benign. Last evaluated: 2016-04-22. Review status: criteria provided, single submitter. Criteria: ACMG Guidelines, 2015. Collection method: clinical testing. Allele origin: germline. Observed: 266 variant alleles.

Breakthrough Genomics
Classification: Benign. Review status: criteria provided, single submitter. Criteria: ACMG Guidelines, 2015. Collection method: not provided. Allele origin: germline. Inheritance: Autosomal recessive inheritance. Affected: yes.